The following is an entry in ClinVar:

ClinVar aggregate classification (germline): Uncertain significance (1 of 4 stars; one submission).

Conditions:
Hereditary cancer-predisposing syndrome. Also called: Neoplastic Syndromes, Hereditary; Tumor predisposition; Hereditary neoplastic syndrome; Hereditary Cancer Syndrome. Identifiers: Orphanet 140162, MedGen C0027672, MeSH D009386, MONDO:0015356.
Cardiovascular phenotype. Identifiers: MedGen CN230736.

Submission:

Ambry Genetics
Classification: Uncertain significance for Cardiovascular phenotype; Hereditary cancer-predisposing syndrome. Last evaluated: 2023-11-20. Review status: criteria provided, single submitter. Criteria: Ambry Variant Classification Scheme 2023. Collection method: clinical testing. Allele origin: germline.
Comment: The p.Q236H variant (also known as c.708G>T), located in coding exon 7 of the NF1 gene, results from a G to T substitution at nucleotide position 708. The glutamine at codon 236 is replaced by histidine, an amino acid with highly similar properties. This amino acid position is conserved. In addition, the in silico prediction for this alteration is inconclusive. Since supporting evidence is limited at this time, the clinical significance of this alteration remains unclear.

NM_001042492.3(NF1):c.708G>T (p.Gln236His)

Gene: NF1 (neurofibromin 1; plus strand). Cytogenetic location: 17q11.2.
Variant type: single nucleotide variant.
Coding change: c.708G>T on transcript NM_001042492.3 (MANE Select); coding-DNA position 708, G replaced by T.
Protein change: p.Gln236His; replaces glutamine 236 with histidine.
Molecular consequence: missense variant.
Genome position (GRCh38, 1-based): chr17:31,181,763, G>T. VCF-style: chr17-31181763-G-T. GRCh37 (hg19) VCF-style: chr17-29508781-G-T.
Other names: c.708G>T, p.Gln236His (NM_000267.4, NM_001128147.3); short protein forms Q236H.
Identifiers: ClinVar variation 3237916 (VCV003237916.1), dbSNP rs2143778212.